The following is an entry in ClinVar:

NM_002207.3(ITGA9):c.2234+7G>C

Gene: ITGA9 (integrin subunit alpha 9; plus strand). Cytogenetic location: 3p22.2.
Variant type: single nucleotide variant.
Coding change: c.2234+7G>C on transcript NM_002207.3 (MANE Select); 7 bases into the intron after coding-DNA position 2234, G replaced by C.
Molecular consequence: intron variant.
Genome position (GRCh38, 1-based): chr3:37,736,990, G>C. VCF-style: chr3-37736990-G-C. GRCh37 (hg19) VCF-style: chr3-37778481-G-C.
Identifiers: ClinVar variation 3060254 (VCV003060254.2), dbSNP rs1118148, ClinGen allele CA2311107.

ClinVar aggregate classification (germline): Benign (0 of 4 stars; one submission).

Conditions:
ITGA9-related disorder. Also called: ITGA9-related condition.

Allele frequency attached by ClinVar (database versions not stated): 1000 Genomes Project 0.34225; 1000 Genomes Project 30x 0.34510; TOPMed 0.35880; ESP Exome Variant Server 0.36622.
gnomAD v4.1: 403,729 of 1,585,262 alleles (25%); highest among the groups gnomAD compares: African/African-American, 61%; 57,836 homozygotes.

Submission:

PreventionGenetics, part of Exact Sciences
Classification: Benign for ITGA9-related condition. Last evaluated: 2019-10-21. Review status: no assertion criteria provided. Collection method: clinical testing. Allele origin: germline.
Comment: This variant is classified as benign based on ACMG/AMP sequence variant interpretation guidelines (Richards et al. 2015 PMID: 25741868, with internal and published modifications).